The following is an entry in ClinVar:

NM_002485.5(NBN):c.1202C>A (p.Pro401His)

Gene: NBN (nibrin; minus strand). Cytogenetic location: 8q21.3.
Variant type: single nucleotide variant.
Coding change: c.1202C>A on transcript NM_002485.5 (MANE Select); coding-DNA position 1202, C replaced by A.
Protein change: p.Pro401His; replaces proline 401 with histidine.
Molecular consequence: missense variant.
Genome position (GRCh38, 1-based): chr8:89,955,478, G>T on the plus strand (C>A on the coding strand, the complement: NBN is on the minus strand). VCF-style: chr8-89955478-G-T. GRCh37 (hg19) VCF-style: chr8-90967706-G-T.
Other names: c.956C>A, p.Pro319His (NM_001024688.3); short protein forms P401H, P319H.
Identifiers: ClinVar variation 219698 (VCV000219698.19), dbSNP rs104895033, ClinGen allele CA350787.
Genomic context (GRCh38, chr8:89,955,478, plus strand): 5'-AAAGTATTTGATACCATACTATTATTATTAGAGCTTGTTTTGCAGGACTCCTTTACAGTG[G>T]GTGCATCTTGTGAAAGCATTCTGAATTTTTGTTCCATTTTGGAGACTTTGATTTCTTTTG-3'
Protein context (NP_002476.2, residues 391-411): QKFRMLSQDA[Pro401His]TVKESCKTSS

ClinVar aggregate classification (germline): Uncertain significance. Review status: criteria provided, multiple submitters, no conflicts (2 of 4 stars). 4 submissions from 4 submitters: Uncertain significance (4). Last evaluated 2025-04-07.

Conditions:
Hereditary cancer-predisposing syndrome. Also called: Tumor predisposition; Hereditary neoplastic syndrome; Neoplastic Syndromes, Hereditary; Hereditary Cancer Syndrome. Identifiers: Orphanet 140162, MedGen C0027672, MeSH D009386, MONDO:0015356.
Microcephaly, normal intelligence and immunodeficiency (NBS). Also called: Immunodeficiency, microcephaly with normal intelligence; BERLIN BREAKAGE SYNDROME; IMMUNODEFICIENCY, MICROCEPHALY, AND CHROMOSOMAL INSTABILITY; SEEMANOVA SYNDROME II; Ataxia telangiectasia variant V1; Nijmegen breakage syndrome. Identifiers: Orphanet 647, MedGen C0398791, MONDO:0009623, OMIM 251260.

gnomAD v4.1: 18 of 1,613,376 alleles (0.0011%); highest among the groups gnomAD compares: Non-Finnish European, 0.0015%; no homozygotes.

Submissions (4):

Ambry Genetics
Classification: Uncertain significance for Hereditary cancer-predisposing syndrome. Last evaluated: 2025-04-07. Review status: criteria provided, single submitter. Criteria: Ambry Variant Classification Scheme 2023. Collection method: clinical testing. Allele origin: germline.
Comment: The p.P401H variant (also known as c.1202C>A), located in coding exon 10 of the NBN gene, results from a C to A substitution at nucleotide position 1202. The proline at codon 401 is replaced by histidine, an amino acid with similar properties. This amino acid position is poorly conserved in available vertebrate species. In addition, this alteration is predicted to be tolerated by in silico analysis. Since supporting evidence is limited at this time, the clinical significance of this alteration remains unclear.

Labcorp Genetics (formerly Invitae), Labcorp
Classification: Uncertain significance for Microcephaly, normal intelligence and immunodeficiency. Last evaluated: 2024-04-22. Review status: criteria provided, single submitter. Criteria: Invitae Variant Classification Sherloc (09022015). Collection method: clinical testing. Allele origin: germline.
Comment: This sequence change replaces proline, which is neutral and non-polar, with histidine, which is basic and polar, at codon 401 of the NBN protein (p.Pro401His). This variant is not present in population databases (gnomAD no frequency). This variant has not been reported in the literature in individuals affected with NBN-related conditions. ClinVar contains an entry for this variant (Variation ID: 219698). An algorithm developed to predict the effect of missense changes on protein structure and function (PolyPhen-2) suggests that this variant¬†is likely to be tolerated. In summary, the available evidence is currently insufficient to determine the role of this variant in disease. Therefore, it has been classified as a Variant of Uncertain Significance.

Genome-Nilou Lab
Classification: Uncertain significance for Microcephaly, normal intelligence and immunodeficiency. Last evaluated: 2021-11-07. Review status: criteria provided, single submitter. Criteria: ACMG Guidelines, 2015. Collection method: clinical testing. Allele origin: germline. Affected: no.

GeneDx
Classification: Uncertain significance. Last evaluated: 2018-10-12. Review status: criteria provided, single submitter. Criteria: GeneDx Variant Classification (06012015). Collection method: clinical testing. Allele origin: germline. Affected: yes.
Comment: This variant is denoted NBN c.1202C>A at the cDNA level, p.Pro401His (P401H) at the protein level, and results in the change of a Proline to a Histidine (CCC>CAC). This variant has not, to our knowledge, been published in the literature as a pathogenic or benign germline variant. NBN Pro401His was not observed in large population cohorts (Lek 2016). This variant is not located in a known functional domain. In silico analysis, which includes protein predictors and evolutionary conservation, supports that this variant does not alter protein structure/function. Based on currently available evidence, it is unclear whether NBN Pro401His is a pathogenic or benign variant. We consider it to be a variant of uncertain significance.